The following is an entry in ClinVar:

ClinVar aggregate classification (germline): Uncertain significance (1 of 4 stars; one submission).

Conditions:
Hereditary motor and sensory neuropathy, Okinawa type (HMSNO). Also called: HEREDITARY MOTOR AND SENSORY NEUROPATHY, PROXIMAL TYPE. Identifiers: Orphanet 90117, MedGen C1858338, MONDO:0011468, OMIM 604484.
Hereditary spastic paraplegia 57. Also called: Spastic paraplegia 57, autosomal recessive. Identifiers: Orphanet 431329, MedGen C3714897, MONDO:0014295, OMIM 615658.

Submission:

Labcorp Genetics (formerly Invitae), Labcorp
Classification: Uncertain significance for Hereditary motor and sensory neuropathy, Okinawa type; Hereditary spastic paraplegia 57. Last evaluated: 2020-02-07. Review status: criteria provided, single submitter. Criteria: Invitae Variant Classification Sherloc (09022015). Collection method: clinical testing. Allele origin: germline.
Comment: This sequence change replaces glutamine with lysine at codon 4 of the TFG protein (p.Gln4Lys). The glutamine residue is highly conserved and there is a small physicochemical difference between glutamine and lysine. The frequency data for this variant in the population databases is not available, as this variant may be reported as separate entries in the ExAC database. This variant has not been reported in the literature in individuals with TFG-related conditions. Algorithms developed to predict the effect of missense changes on protein structure and function are either unavailable or do not agree on the potential impact of this missense change (SIFT: "Not Available"; PolyPhen-2: "Not Available"; Align-GVGD: "Not Available"). In summary, the available evidence is currently insufficient to determine the role of this variant in disease. Therefore, it has been classified as a Variant of Uncertain Significance.

NM_006070.6(TFG):c.9_10delinsGA (p.Gln4Lys)

Gene: TFG (trafficking from ER to golgi regulator; plus strand). Cytogenetic location: 3q12.2.
Variant type: Indel.
Coding change: c.9_10delinsGA on transcript NM_006070.6 (MANE Select); coding-DNA positions 9 to 10, AC replaced by GA.
Protein change: p.Gln4Lys; replaces glutamine 4 with lysine.
Molecular consequence: missense variant.
Genome position (GRCh38, 1-based): chr3:100,713,694-100,713,695, AC replaced by GA. VCF-style: chr3-100713694-AC-GA. GRCh37 (hg19) VCF-style: chr3-100432538-AC-GA.
Other names: c.9_10delinsGA, p.Gln4Lys (NM_001007565.2, NM_001195478.2, NM_001195479.2); short protein forms Q4K.
Identifiers: ClinVar variation 1009525 (VCV001009525.7), dbSNP rs2095037361, ClinGen allele CA1388384861.